The following is an entry in ClinVar:

ClinVar aggregate classification (germline): Benign. Review status: criteria provided, multiple submitters, no conflicts (2 of 4 stars). 5 submissions from 5 submitters: Benign (5). Last evaluated 2026-01-27.

Conditions:
Hyper-IgM syndrome type 5 (HIGM5). Also called: Hyper-IgM Immunodeficiency Syndrome, Type 5. Identifiers: Orphanet 101092, MedGen C1720958, MONDO:0011971, OMIM 608106.

Allele frequency attached by ClinVar (database versions not stated): gnomAD exomes 0.00070 and 0.00155; ExAC 0.00187; ESP Exome Variant Server 0.00516; 1000 Genomes Project 0.00579; gnomAD 0.00589 and 0.00624; TOPMed 0.00617; 1000 Genomes Project 30x 0.00640.
gnomAD v4.1: 1,965 of 1,613,492 alleles (0.12%); highest among the groups gnomAD compares: African/African-American, 2.1%; 30 homozygotes.

Submissions (5):

Labcorp Genetics (formerly Invitae), Labcorp
Classification: Benign for Hyper-IgM syndrome type 5. Last evaluated: 2026-01-27. Review status: criteria provided, single submitter. Criteria: Invitae Variant Classification Sherloc (09022015). Collection method: clinical testing. Allele origin: germline.

Women's Health and Genetics/Laboratory Corporation of America, LabCorp
Classification: Benign. Last evaluated: 2026-01-23. Review status: criteria provided, single submitter. Criteria: LabCorp Variant Classification Summary - May 2015. Collection method: clinical testing. Allele origin: germline.

ARUP Laboratories, Molecular Genetics and Genomics, ARUP Laboratories
Classification: Benign for Hyper-IgM syndrome type 5. Last evaluated: 2023-08-10. Review status: criteria provided, single submitter. Criteria: ARUP Molecular Germline Variant Investigation Process 2024. Collection method: clinical testing. Allele origin: germline.

Illumina Laboratory Services, Illumina
Classification: Benign for Hyper-IgM syndrome type 5. Last evaluated: 2017-04-27. Review status: criteria provided, single submitter. Criteria: ICSL Variant Classification Criteria 13 December 2019. Collection method: clinical testing. Allele origin: germline.
Comment: This variant was observed as part of a predisposition screen in an ostensibly healthy population. A literature search was performed for the gene, cDNA change, and amino acid change (where applicable). No publications were found based on this search. Allele frequency data from public databases was too high to be consistent with this variant causing disease. Therefore, this variant is classified as benign.

Breakthrough Genomics
Classification: Benign. Review status: criteria provided, single submitter. Criteria: ACMG Guidelines, 2015. Collection method: not provided. Allele origin: germline. Inheritance: Autosomal recessive inheritance. Affected: yes.

NM_080911.3(UNG):c.291C>T (p.Ser97=)

Gene: UNG (uracil DNA glycosylase; plus strand). Cytogenetic location: 12q24.11.
Variant type: single nucleotide variant.
Coding change: c.291C>T on transcript NM_080911.3 (MANE Select); coding-DNA position 291, C replaced by T.
Protein change: p.Ser97=; no amino-acid change (serine 97 retained).
Molecular consequence: synonymous variant.
Genome position (GRCh38, 1-based): chr12:109,098,590, C>T. VCF-style: chr12-109098590-C-T. GRCh37 (hg19) VCF-style: chr12-109536395-C-T.
Other names: c.264C>T, p.Ser88= (NM_003362.4).
Identifiers: ClinVar variation 463871 (VCV000463871.17), dbSNP rs3219210, ClinGen allele CA6772551.